The following is an entry in ClinVar:

NM_003995.4(NPR2):c.2711A>G (p.Lys904Arg)

Gene: NPR2 (natriuretic peptide receptor 2; plus strand). Cytogenetic location: 9p13.3.
Variant type: single nucleotide variant.
Coding change: c.2711A>G on transcript NM_003995.4 (MANE Select); coding-DNA position 2711, A replaced by G.
Protein change: p.Lys904Arg; replaces lysine 904 with arginine.
Molecular consequence: missense variant.
Genome position (GRCh38, 1-based): chr9:35,807,397, A>G. VCF-style: chr9-35807397-A-G. GRCh37 (hg19) VCF-style: chr9-35807394-A-G.
Other names: c.2720A>G, p.Lys907Arg (NM_001378923.1); short protein forms K904R, K907R.
Identifiers: ClinVar variation 3759930 (VCV003759930.2).

ClinVar aggregate classification (germline): Uncertain significance (1 of 4 stars; one submission).

Conditions:
Acromesomelic dysplasia 1, Maroteaux type (AMD1). Also called: ST. HELENA DYSPLASIA; ACROMESOMELIC DYSPLASIA 1. Identifiers: Orphanet 40, MedGen C1864356, MONDO:0011275, OMIM 602875.
Tall stature-scoliosis-macrodactyly of the great toes syndrome. Also called: Epiphyseal chondrodysplasia, miura type. Identifiers: Orphanet 329191, MedGen C4014690, MONDO:0014401, OMIM 615923.

Submission:

Labcorp Genetics (formerly Invitae), Labcorp
Classification: Uncertain significance for Tall stature-scoliosis-macrodactyly of the great toes syndrome; Acromesomelic dysplasia 1, Maroteaux type. Last evaluated: 2025-03-07. Review status: criteria provided, single submitter. Criteria: Invitae Variant Classification Sherloc (09022015). Collection method: clinical testing. Allele origin: germline.
Comment: This sequence change replaces lysine, which is basic and polar, with arginine, which is basic and polar, at codon 904 of the NPR2 protein (p.Lys904Arg). This variant is not present in population databases (gnomAD no frequency). This variant has not been reported in the literature in individuals affected with NPR2-related conditions. An algorithm developed to predict the effect of missense changes on protein structure and function (PolyPhen-2) suggests that this variant is likely to be disruptive. Algorithms developed to predict the effect of sequence changes on RNA splicing suggest that this variant may disrupt the consensus splice site. In summary, the available evidence is currently insufficient to determine the role of this variant in disease. Therefore, it has been classified as a Variant of Uncertain Significance.